The following is an entry in ClinVar:

NM_000038.6(APC):c.2910T>A (p.Ser970Arg)

Gene: APC (APC regulator of Wnt signaling pathway; plus strand). Cytogenetic location: 5q22.2.
Variant type: single nucleotide variant.
Coding change: c.2910T>A on transcript NM_000038.6 (MANE Select); coding-DNA position 2910, T replaced by A.
Protein change: p.Ser970Arg; replaces serine 970 with arginine.
Molecular consequence: missense variant. On other transcripts: non-coding transcript variant (2).
Genome position (GRCh38, 1-based): chr5:112,838,504, T>A. VCF-style: chr5-112838504-T-A. GRCh37 (hg19) VCF-style: chr5-112174201-T-A.
Other names: c.2910T>A, p.Ser970Arg (NM_001127510.3, NM_001354895.2, NM_001407450.1); c.2856T>A, p.Ser952Arg (NM_001127511.3); c.2964T>A, p.Ser988Arg (NM_001354896.2, NM_001407447.1, NM_001407448.1 and 1 more transcripts); c.2940T>A, p.Ser980Arg (NM_001354897.2); c.2835T>A, p.Ser945Arg (NM_001354898.2); c.2826T>A, p.Ser942Arg (NM_001354899.2); c.2787T>A, p.Ser929Arg (NM_001354900.2); c.2733T>A, p.Ser911Arg (NM_001354901.2, NM_001407453.1); and 11 more; short protein forms S586R, S841R, S879R, S887R, S952R, S963R, S869R, S942R.
Identifiers: ClinVar variation 3882149 (VCV003882149.1).

ClinVar aggregate classification (germline): Uncertain significance (1 of 4 stars; one submission).

Conditions:
Hereditary cancer-predisposing syndrome. Also called: Tumor predisposition; Neoplastic Syndromes, Hereditary; Hereditary Cancer Syndrome; Hereditary neoplastic syndrome. Identifiers: Orphanet 140162, MedGen C0027672, MeSH D009386, MONDO:0015356.

Submission:

Ambry Genetics
Classification: Uncertain significance for Hereditary cancer-predisposing syndrome. Last evaluated: 2025-01-30. Review status: criteria provided, single submitter. Criteria: Ambry Variant Classification Scheme 2023. Collection method: clinical testing. Allele origin: germline.
Comment: The p.S970R variant (also known as c.2910T>A), located in coding exon 15 of the APC gene, results from a T to A substitution at nucleotide position 2910. The serine at codon 970 is replaced by arginine, an amino acid with dissimilar properties. This amino acid position is conserved. In addition, in silico predictors for this gene do not accurately predict pathogenicity. Based on the available evidence, the clinical significance of this variant remains unclear.